The following is an entry in ClinVar:

NM_000448.3(RAG1):c.656G>T (p.Arg219Leu)

Gene: RAG1 (recombination activating 1; plus strand). Cytogenetic location: 11p12.
Variant type: single nucleotide variant.
Coding change: c.656G>T on transcript NM_000448.3 (MANE Select); coding-DNA position 656, G replaced by T.
Protein change: p.Arg219Leu; replaces arginine 219 with leucine.
Molecular consequence: missense variant.
Genome position (GRCh38, 1-based): chr11:36,573,960, G>T. VCF-style: chr11-36573960-G-T. GRCh37 (hg19) VCF-style: chr11-36595510-G-T.
Other names: c.656G>T, p.Arg219Leu (NM_001377277.1, NM_001377278.1, NM_001377279.1 and 1 more transcripts); short protein forms R219L.
Identifiers: ClinVar variation 839808 (VCV000839808.9), dbSNP rs764179803, ClinGen allele CA380149285.
Genomic context (GRCh38, chr11:36,573,960, plus strand): 5'-ACGTGACCATGGAGTGGCACCCCCACACACCATCCTGTGACATCTGCAACACTGCCCGTC[G>T]GGGACTCAAGAGGAAGAGTCTTCAGCCAAACTTGCAGCTCAGCAAAAAACTCAAAACTGT-3'
Protein context (NP_000439.2, residues 209-229): PSCDICNTAR[Arg219Leu]GLKRKSLQPN

ClinVar aggregate classification (germline): Uncertain significance (1 of 4 stars; one submission).

Conditions:
Combined immunodeficiency with skin granulomas. Identifiers: Orphanet 157949, MedGen C2673536, MONDO:0009306, OMIM 233650.
Severe combined immunodeficiency, autosomal recessive, T cell-negative, B cell-negative, NK cell-positive. Also called: SCID, T CELL-NEGATIVE, B CELL-NEGATIVE, NK CELL-POSITIVE; SCID, AR, T-cell negative, B-cell negative, NK cell-positive; Severe combined immunodeficiency due to complete RAG1/2 deficiency. Identifiers: Orphanet 331206, MedGen C1832322, MONDO:0011086, OMIM 601457.

gnomAD v4.1: 1 of 1,614,088 alleles (0.000062%); highest among the groups gnomAD compares: African/African-American, 0.0013%; no homozygotes.

Submission:

Labcorp Genetics (formerly Invitae), Labcorp
Classification: Uncertain significance for Combined immunodeficiency with skin granulomas; Severe combined immunodeficiency, autosomal recessive, T cell-negative, B cell-negative, NK cell-positive. Last evaluated: 2023-08-24. Review status: criteria provided, single submitter. Criteria: Invitae Variant Classification Sherloc (09022015). Collection method: clinical testing. Allele origin: germline.
Comment: This variant is not present in population databases (gnomAD no frequency). In summary, the available evidence is currently insufficient to determine the role of this variant in disease. Therefore, it has been classified as a Variant of Uncertain Significance. Advanced modeling of protein sequence and biophysical properties (such as structural, functional, and spatial information, amino acid conservation, physicochemical variation, residue mobility, and thermodynamic stability) performed at Invitae indicates that this missense variant is not expected to disrupt RAG1 protein function. ClinVar contains an entry for this variant (Variation ID: 839808). This variant has not been reported in the literature in individuals affected with RAG1-related conditions. This sequence change replaces arginine, which is basic and polar, with leucine, which is neutral and non-polar, at codon 219 of the RAG1 protein (p.Arg219Leu).